The following is an entry in ClinVar:

ClinVar aggregate classification (germline): Benign. Review status: criteria provided, single submitter (1 of 4 stars). 2 submissions from 2 submitters: Benign (1). 1 of the submissions does not count toward it. Last evaluated 2023-10-01.

Conditions:
DCDC5-related condition.

Allele frequency attached by ClinVar (database versions not stated): 1000 Genomes Project 30x 0.00515; 1000 Genomes Project 0.00519; TOPMed 0.00766; gnomAD 0.00844; ESP Exome Variant Server 0.00932; gnomAD exomes 0.01099; ExAC 0.01290.
gnomAD v4.1: 16,743 of 1,567,600 alleles (1.1%); highest among the groups gnomAD compares: Non-Finnish European, 1.3%; 94 homozygotes.

Submissions (2):

CeGaT Center for Human Genetics Tuebingen
Classification: Benign. Last evaluated: 2023-10-01. Review status: criteria provided, single submitter. Criteria: CeGaT Center For Human Genetics Tuebingen Variant Classification Criteria Version 2. Collection method: clinical testing. Allele origin: germline. Affected: yes. Observed: 1 variant allele.
Comment: DCDC1: BP4, BS1, BS2

PreventionGenetics, part of Exact Sciences
Classification: Benign for DCDC5-related condition. Last evaluated: 2019-05-15. Review status: no assertion criteria provided. Collection method: clinical testing. Allele origin: germline. Not counted in ClinVar's aggregate classification.
Comment: This variant is classified as benign based on ACMG/AMP sequence variant interpretation guidelines (Richards et al. 2015 PMID: 25741868, with internal and published modifications).

NM_001387274.1(DCDC1):c.4687G>A (p.Glu1563Lys)

Gene: DCDC1 (doublecortin domain containing 1; minus strand). Cytogenetic location: 11p14.1.
Variant type: single nucleotide variant.
Coding change: c.4687G>A on transcript NM_001387274.1 (MANE Select); coding-DNA position 4687, G replaced by A.
Protein change: p.Glu1563Lys; replaces glutamic acid 1563 with lysine.
Molecular consequence: missense variant.
Genome position (GRCh38, 1-based): chr11:30,899,619, C>T on the plus strand (G>A on the coding strand, the complement: DCDC1 is on the minus strand). VCF-style: chr11-30899619-C-T. GRCh37 (hg19) VCF-style: chr11-30921166-C-T.
Other names: c.1999G>A (NM_020869.3); c.4678G>A, p.Glu1560Lys (NM_001367979.1); c.1432G>A, p.Glu478Lys (NM_001387275.1); c.1999G>A, p.Glu667Lys (NM_020869.4); short protein forms E1560K, E1563K, E478K, E667K.
Identifiers: ClinVar variation 2641698 (VCV002641698.24), dbSNP rs117396197, ClinGen allele CA5931458.